The following is an entry in ClinVar:

ClinVar aggregate classification (germline): Conflicting classifications of pathogenicity. Review status: criteria provided, conflicting classifications (1 of 4 stars). 6 submissions from 6 submitters: Uncertain significance (5); Likely benign (1). Last evaluated 2025-09-03.

Conditions:
Cardiovascular phenotype. Identifiers: MedGen CN230736.
Hereditary cancer-predisposing syndrome. Also called: Neoplastic Syndromes, Hereditary; Tumor predisposition; Hereditary Cancer Syndrome; Hereditary neoplastic syndrome. Identifiers: Orphanet 140162, MedGen C0027672, MeSH D009386, MONDO:0015356.
Neurofibromatosis, type 1 (NF1). Also called: VON RECKLINGHAUSEN DISEASE; NEUROFIBROMATOSIS, TYPE I, SOMATIC; Peripheral type neurofibromatosis; Neurofibromatosis, type I. Identifiers: Orphanet 636, MedGen C0027831, MONDO:0018975, OMIM 162200. Disease mechanism: loss of function.

Allele frequency attached by ClinVar (database versions not stated): gnomAD exomes 0.00002; ExAC 0.00002.
gnomAD v4.1: 11 of 1,613,636 alleles (0.00068%); highest among the groups gnomAD compares: Non-Finnish European, 0.00059%; no homozygotes.

Submissions (6):

Labcorp Genetics (formerly Invitae), Labcorp
Classification: Likely benign for Neurofibromatosis, type 1. Last evaluated: 2025-09-03. Review status: criteria provided, single submitter. Criteria: Invitae Variant Classification Sherloc (09022015). Collection method: clinical testing. Allele origin: germline.

Ambry Genetics
Classification: Uncertain significance for Cardiovascular phenotype; Hereditary cancer-predisposing syndrome. Last evaluated: 2023-12-08. Review status: criteria provided, single submitter. Criteria: Ambry Variant Classification Scheme 2023. Collection method: clinical testing. Allele origin: germline.
Comment: The p.P1400L variant (also known as c.4199C>T), located in coding exon 31 of the NF1 gene, results from a C to T substitution at nucleotide position 4199. The proline at codon 1400 is replaced by leucine, an amino acid with similar properties. This alteration was not observed in 53 unselected male breast cancer patients and was observed with an allele frequency of 0.0001 in 12,490 male controls of Japanese ancestry (Momozawa Y et al. Nat Commun, 2018 10;9:4083). In another study, this variant was reported in 2/60,466 breast cancer cases and in 1/53,461 controls (Dorling et al. N Engl J Med 2021 02;384:428-439). This alteration, noted as c.4262C>T, was absent in 1229 Japanese patients with biliary tract cancer but present at a frequency of 0.001% in 37583 controls (Okawa Y et al. J Hepatol, 2023 Feb;78:333-342). This alteration was detected in a cohort of 1663 Brazilian breast cancer patients who underwent hereditary multigene panel testing (Guindalini RSC et al. Sci Rep, 2022 Mar;12:4190). This amino acid position is highly conserved in available vertebrate species. In addition, this alteration is predicted to be deleterious by in silico analysis. Since supporting evidence is limited at this time, the clinical significance of this alteration remains unclear.

Blueprint Genetics
Classification: Uncertain significance. Last evaluated: 2023-04-17. Review status: criteria provided, single submitter. Criteria: ACMG Guidelines, 2015. Collection method: clinical testing. Allele origin: germline.

Genome-Nilou Lab
Classification: Uncertain significance for Neurofibromatosis, type 1. Last evaluated: 2022-03-15. Review status: criteria provided, single submitter. Criteria: ACMG Guidelines, 2015. Collection method: clinical testing. Allele origin: germline. Affected: no.

Sema4
Classification: Uncertain significance for Hereditary cancer-predisposing syndrome. Last evaluated: 2022-01-22. Review status: criteria provided, single submitter. Criteria: Sema4 Curation Guidelines. Collection method: curation. Allele origin: germline.
Comment: The NF1 c.4199C>T (p.P1400L) variant has been reported in heterozygous state in an individual with ovarian cancer (PMID: 24448499) as well as reported in an unaffected control (PMID: 30287823). It has been reported in a large case-control study of breast cancer in 2/60466 cases and 1/53461 controls (PMID: 33471991). It was observed in 2/21640 chromosomes of the Finnish (FIN) subpopulation in the large and broad cohorts of the Genome Aggregation Database (PMID: 32461654). This variant has been reported in ClinVar (Variation ID 404437). In silico tools suggest the impact of the variant on protein function is deleterious, though these predictions have not been confirmed by functional studies. The evidence is insufficient to meet ACMG/AMP criteria for classifying the variant as benign or pathogenic. Thus, the clinical significance of this variant is currently uncertain.

Mendelics
Classification: Uncertain significance for Neurofibromatosis, type 1. Last evaluated: 2018-07-02. Review status: criteria provided, single submitter. Criteria: Mendelics Assertion Criteria 2017. Collection method: clinical testing. Allele origin: unknown.

Literature cited by the submitters: PubMed 24448499 (cited by Sema4); PubMed 30287823 (cited by Sema4); PubMed 33471991 (cited by Sema4).

NM_001042492.3(NF1):c.4262C>T (p.Pro1421Leu)

Gene: NF1 (neurofibromin 1; plus strand). Cytogenetic location: 17q11.2.
Variant type: single nucleotide variant.
Coding change: c.4262C>T on transcript NM_001042492.3 (MANE Select); coding-DNA position 4262, C replaced by T.
Protein change: p.Pro1421Leu; replaces proline 1421 with leucine.
Molecular consequence: missense variant.
Genome position (GRCh38, 1-based): chr17:31,258,432, C>T. VCF-style: chr17-31258432-C-T. GRCh37 (hg19) VCF-style: chr17-29585450-C-T.
Other names: c.4199C>T, p.Pro1400Leu (NM_000267.4); short protein forms P1400L, P1421L.
Identifiers: ClinVar variation 404437 (VCV000404437.18), dbSNP rs753997885, ClinGen allele CA8486368.